The following is an entry in ClinVar:

NM_022124.6(CDH23):c.4858G>A (p.Val1620Met)

Gene: CDH23 (cadherin related 23; plus strand). Cytogenetic location: 10q22.1.
Variant type: single nucleotide variant.
Coding change: c.4858G>A on transcript NM_022124.6 (MANE Select); coding-DNA position 4858, G replaced by A.
Protein change: p.Val1620Met; replaces valine 1620 with methionine.
Molecular consequence: missense variant.
Genome position (GRCh38, 1-based): chr10:71,777,692, G>A. VCF-style: chr10-71777692-G-A. GRCh37 (hg19) VCF-style: chr10-73537449-G-A.
Other names: short protein forms V1620M.
Identifiers: ClinVar variation 45957 (VCV000045957.69), dbSNP rs41281330, ClinGen allele CA137446.
Genomic context (GRCh38, chr10:71,777,692, plus strand): 5'-GGTCCCTCTGGCCACCTGACCAAGGACGTGACCCACTCTTTTCCACAGGCCACCACGCAC[G>A]TGTACGTGACCATTGTGGATGAGAATGATAACGCGCCCATGTTCCAGCAGCCCCACTATG-3'
Protein context (NP_071407.4, residues 1610-1630): GTPTLSATTH[Val1620Met]YVTIVDENDN

ClinVar aggregate classification (germline): Benign/Likely benign. Review status: criteria provided, multiple submitters, no conflicts (2 of 4 stars). 17 submissions from 15 submitters: Benign (10); Likely benign (4). 3 of the submissions do not count toward it. Last evaluated 2026-09-01.

Conditions:
Pituitary adenoma 5, multiple types. Identifiers: MedGen C4539685, MONDO:0054601, OMIM 617540.
Usher syndrome type 1D (USH1D). Also called: USHER SYNDROME, TYPE ID. Identifiers: Orphanet 231169, Orphanet 886, MedGen C1832845, MONDO:0010984, OMIM 601067.
Autosomal recessive nonsyndromic hearing loss 12. Also called: DEAFNESS, AUTOSOMAL RECESSIVE 12. Identifiers: Orphanet 90636, MedGen C1832394, MONDO:0011067, OMIM 601386.
Usher syndrome type 1 (USH1). Also called: RETINITIS PIGMENTOSA AND CONGENITAL DEAFNESS. Identifiers: Orphanet 231169, Orphanet 886, MedGen C1568247, MONDO:0010168, OMIM 276900.

Allele frequency attached by ClinVar (database versions not stated): 1000 Genomes Project 30x 0.01234; TOPMed 0.00987; 1000 Genomes Project 0.01238; gnomAD 0.01037 and 0.01149; ESP Exome Variant Server 0.01062.
gnomAD v4.1: 23,281 of 1,611,636 alleles (1.4%); highest among the groups gnomAD compares: South Asian, 4.8%; 365 homozygotes.

Submissions (25):

CeGaT Center for Human Genetics Tuebingen
Classification: Likely benign. Last evaluated: 2026-09-01. Review status: criteria provided, single submitter. Criteria: CeGaT Center For Human Genetics Tuebingen Variant Classification Criteria Version 2. Collection method: clinical testing. Allele origin: germline. Affected: yes. Observed: 57 variant alleles.
Comment: CDH23: PM5, BS1, BS2

Labcorp Genetics (formerly Invitae), Labcorp
Classification: Benign. Last evaluated: 2026-02-04. Review status: criteria provided, single submitter. Criteria: Invitae Variant Classification Sherloc (09022015). Collection method: clinical testing. Allele origin: germline.

ARUP Laboratories, Molecular Genetics and Genomics, ARUP Laboratories
Classification: Benign. Last evaluated: 2023-10-02. Review status: criteria provided, single submitter. Criteria: ARUP Molecular Germline Variant Investigation Process 2024. Collection method: clinical testing. Allele origin: germline.

Fulgent Genetics
Classification: Benign for Usher syndrome type 1D; Autosomal recessive nonsyndromic hearing loss 12; Pituitary adenoma 5, multiple types. Last evaluated: 2022-05-04. Review status: criteria provided, single submitter. Criteria: ACMG Guidelines, 2015. Collection method: clinical testing. Allele origin: unknown.

Women's Health and Genetics/Laboratory Corporation of America, LabCorp
Classification: Likely benign. Last evaluated: 2022-02-18. Review status: criteria provided, single submitter. Criteria: LabCorp Variant Classification Summary - May 2015. Collection method: clinical testing. Allele origin: germline.

Genome-Nilou Lab
Classification: Benign for Usher syndrome type 1D. Last evaluated: 2021-07-01. Review status: criteria provided, single submitter. Criteria: ACMG Guidelines, 2015. Collection method: clinical testing. Allele origin: germline. Affected: no.

Genome-Nilou Lab
Classification: Benign for Autosomal recessive nonsyndromic hearing loss 12. Last evaluated: 2021-07-01. Review status: criteria provided, single submitter. Criteria: ACMG Guidelines, 2015. Collection method: clinical testing. Allele origin: germline. Affected: no.

Athena Diagnostics
Classification: Benign. Last evaluated: 2018-11-19. Review status: criteria provided, single submitter. Criteria: Athena Diagnostics Criteria. Collection method: clinical testing. Allele origin: germline.

Illumina Laboratory Services, Illumina
Classification: Benign for Usher syndrome type 1D. Last evaluated: 2017-04-27. Review status: criteria provided, single submitter. Criteria: ICSL Variant Classification Criteria 13 December 2019. Collection method: clinical testing. Allele origin: germline.
Comment: This variant was observed as part of a predisposition screen in an ostensibly healthy population. A literature search was performed for the gene, cDNA change, and amino acid change (where applicable). Publications were found based on this search. The evidence from the literature, in combination with allele frequency data from public databases where available, was sufficient to rule this variant out of causing disease. Therefore, this variant is classified as benign.

Illumina Laboratory Services, Illumina
Classification: Likely benign for Autosomal recessive nonsyndromic hearing loss 12. Last evaluated: 2017-04-27. Review status: criteria provided, single submitter. Criteria: ICSL Variant Classification Criteria 13 December 2019. Collection method: clinical testing. Allele origin: germline.
Comment: This variant was observed as part of a predisposition screen in an ostensibly healthy population. A literature search was performed for the gene, cDNA change, and amino acid change (where applicable). Publications were found based on this search. The evidence from the literature, in combination with allele frequency data from public databases where available, was sufficient to determine this variant is unlikely to cause disease. Therefore, this variant is classified as likely benign.

GeneDx
Classification: Benign. Last evaluated: 2015-03-03. Review status: criteria provided, single submitter. Criteria: GeneDx Variant Classification Process June 2021. Collection method: clinical testing. Allele origin: germline. Affected: yes.
Comment: This variant is associated with the following publications: (PMID: 23591405, 27884173, 30245029)

Eurofins Ntd Llc (ga)
Classification: Benign. Last evaluated: 2013-11-20. Review status: criteria provided, single submitter. Criteria: EGL Classification Definitions 2015. Collection method: clinical testing. Allele origin: germline. Observed: 1 variant allele, 1 heterozygote.

Laboratory for Molecular Medicine, Mass General Brigham Personalized Medicine
Classification: Benign. Last evaluated: 2010-07-27. Review status: criteria provided, single submitter. Criteria: LMM Criteria. Collection method: clinical testing. Allele origin: germline. Observed: 71 variant alleles.
Comment: Val1620Met in exon 39 of CDH23: This variant is not expected to have clinical si gnificance due to its occurrence at a similar frequency in the general populatio n and it has been reported as presumed non-pathogenic (Astuto 2002, Oshima 2008, Ouyang 2005). In addition, this variant is listed in dbSNP (rs41281330 - no fre quency data).

Breakthrough Genomics
Classification: Likely benign. Review status: criteria provided, single submitter. Criteria: ACMG Guidelines, 2015. Collection method: not provided. Allele origin: germline. Inheritance: Autosomal recessive inheritance. Affected: yes.

Natera, Inc.
Classification: Benign for Usher syndrome type 1. Last evaluated: 2020-09-16. Review status: no assertion criteria provided. Collection method: clinical testing. Allele origin: germline. Not counted in ClinVar's aggregate classification.

Clinical Genetics DNA and cytogenetics Diagnostics Lab, Erasmus MC, Erasmus Medical Center
Classification: Benign. Review status: no assertion criteria provided. Collection method: clinical testing. Allele origin: germline. Affected: yes. Study: VKGL Data-share Consensus. Not counted in ClinVar's aggregate classification.

Dr. Peter K. Rogan Lab, Western University
No classification provided (evidence only). Condition: Familial cancer of breast. Review status: no classification provided. Collection method: in vitro. Allele origin: not applicable. Functional consequence: retained intron. Not counted in ClinVar's aggregate classification.

Dr. Peter K. Rogan Lab, Western University
No classification provided (evidence only). Condition: Colon adenocarcinoma. Review status: no classification provided. Collection method: in vitro. Allele origin: not applicable. Functional consequence: retained intron. Not counted in ClinVar's aggregate classification.

Dr. Peter K. Rogan Lab, Western University
No classification provided (evidence only). Condition: Thyroid cancer, nonmedullary, 1. Review status: no classification provided. Collection method: in vitro. Allele origin: not applicable. Functional consequence: retained intron. Not counted in ClinVar's aggregate classification.

Dr. Peter K. Rogan Lab, Western University
No classification provided (evidence only). Condition: Sarcoma. Review status: no classification provided. Collection method: in vitro. Allele origin: not applicable. Functional consequence: retained intron. Not counted in ClinVar's aggregate classification.

Dr. Peter K. Rogan Lab, Western University
No classification provided (evidence only). Condition: Sarcoma. Review status: no classification provided. Collection method: in vitro. Allele origin: not applicable. Functional consequence: retained intron. Not counted in ClinVar's aggregate classification.

Dr. Peter K. Rogan Lab, Western University
No classification provided (evidence only). Condition: Thymoma. Review status: no classification provided. Collection method: in vitro. Allele origin: not applicable. Functional consequence: retained intron. Not counted in ClinVar's aggregate classification.

Dr. Peter K. Rogan Lab, Western University
No classification provided (evidence only). Condition: Ovarian serous cystadenocarcinoma. Review status: no classification provided. Collection method: in vitro. Allele origin: not applicable. Functional consequence: retained intron. Not counted in ClinVar's aggregate classification.

Dr. Peter K. Rogan Lab, Western University
No classification provided (evidence only). Condition: Gastric cancer. Review status: no classification provided. Collection method: in vitro. Allele origin: not applicable. Functional consequence: retained intron. Not counted in ClinVar's aggregate classification.

Joint Genome Diagnostic Labs from Nijmegen and Maastricht, Radboudumc and MUMC+
Classification: Benign. Review status: no assertion criteria provided. Collection method: clinical testing. Allele origin: germline. Affected: yes. Study: VKGL Data-share Consensus. Not counted in ClinVar's aggregate classification.

Literature cited by the submitters: PubMed 12075507 (cited by 3 submitters); PubMed 15660226 (cited by 3 submitters); PubMed 18429043 (cited by 3 submitters); PubMed 23591405 (cited by Athena Diagnostics and Illumina Laboratory Services, Illumina); PubMed 27884173 (cited by Athena Diagnostics); PubMed 21569298 (cited by Athena Diagnostics); PubMed 23757202 (cited by Illumina Laboratory Services, Illumina).